The following is an entry in ClinVar:

ClinVar aggregate classification (germline): Uncertain significance (1 of 4 stars; one submission).

Conditions:
Inborn genetic diseases. Identifiers: MedGen C0950123, MeSH D030342.

Submission:

Ambry Genetics
Classification: Uncertain significance for Inborn genetic diseases. Last evaluated: 2025-11-02. Review status: criteria provided, single submitter. Criteria: Ambry Variant Classification Scheme 2023. Collection method: clinical testing. Allele origin: germline.
Comment: The c.268G>C (p.V90L) alteration is located in exon 5 (coding exon 5) of the ATRX gene. This alteration results from a G to C substitution at nucleotide position 268, causing the valine (V) at amino acid position 90 to be replaced by a leucine (L). Based on data from gnomAD, the C allele has an overall frequency of 0.001% (1/180366) total alleles studied. The highest observed frequency was 0.001% (1/80773) of European (non-Finnish) alleles. Based on insufficient or conflicting evidence, the clinical significance of this alteration remains unclear.

NM_000489.6(ATRX):c.268G>C (p.Val90Leu)

Gene: ATRX (ATRX chromatin remodeler; minus strand). Cytogenetic location: Xq21.1.
Variant type: single nucleotide variant.
Coding change: c.268G>C on transcript NM_000489.6 (MANE Select); coding-DNA position 268, G replaced by C.
Protein change: p.Val90Leu; replaces valine 90 with leucine.
Molecular consequence: missense variant.
Genome position (GRCh38, 1-based): chrX:77,696,679, C>G on the plus strand (G>C on the coding strand, the complement: ATRX is on the minus strand). VCF-style: chrX-77696679-C-G. GRCh37 (hg19) VCF-style: chrX-76952167-C-G.
Other names: c.268G>C, p.Val90Leu (NM_138270.5); short protein forms V90L.
Identifiers: ClinVar variation 4592968 (VCV004592968.1).
Genomic context (GRCh38, chrX:77,696,679, plus strand): 5'-CATTAGACGCATCTTCATTTACAGTTTCATCATCCAAAGGTTTTTCATCATCTGATTCTA[C>G]ATACTTTGTTACAATTGAAGGTTTCCTATGAAAGAATTAAGTTCATAGAATTATGAATGT-3'
Protein context (NP_000480.3, residues 80-100): KRKPSIVTKY[Val90Leu]ESDDEKPLDD